The following is an entry in ClinVar:

ClinVar aggregate classification (germline): Pathogenic (1 of 4 stars; one submission).

gnomAD v4.1: 4 of 1,613,964 alleles (0.00025%); highest among the groups gnomAD compares: Non-Finnish European, 0.00034%; no homozygotes.

Submission:

Labcorp Genetics (formerly Invitae), Labcorp
Classification: Pathogenic. Last evaluated: 2025-08-18. Review status: criteria provided, single submitter. Criteria: Invitae Variant Classification Sherloc (09022015). Collection method: clinical testing. Allele origin: germline.
Comment: This sequence change creates a premature translational stop signal (p.Cys1582*) in the RP1 gene. While this is not anticipated to result in nonsense mediated decay, it is expected to disrupt the last 575 amino acid(s) of the RP1 protein. This variant is present in population databases (rs372895805, gnomAD 0.002%). This premature translational stop signal has been observed in individual(s) with autosomal recessive retinitis pigmentosa (PMID: 36284670). This variant disrupts the C-terminus of the RP1 protein. Many variants that disrupt this region have been reported in individuals with either autosomal dominant or autosomal recessive retinitis pigmentosa (PMID: 11527933, 19933189, 29425069, 30027431, 33681214). Therefore, variants that disrupt this region are expected to be disease-causing. For these reasons, this variant has been classified as Pathogenic.

Literature cited by the submitters: PubMed 36284670; PubMed 11527933; PubMed 19933189; PubMed 29425069; PubMed 30027431; PubMed 33681214.

NM_006269.2(RP1):c.4746C>A (p.Cys1582Ter)

Gene: RP1 (RP1 axonemal microtubule associated; plus strand). Cytogenetic location: 8q12.1.
Variant type: single nucleotide variant.
Coding change: c.4746C>A on transcript NM_006269.2 (MANE Select); coding-DNA position 4746, C replaced by A.
Protein change: p.Cys1582Ter; replaces cysteine 1582 with a stop codon.
Molecular consequence: nonsense. On other transcripts: intron variant (1).
Genome position (GRCh38, 1-based): chr8:54,628,628, C>A. VCF-style: chr8-54628628-C-A. GRCh37 (hg19) VCF-style: chr8-55541188-C-A.
Other names: c.787+6340C>A (NM_001375654.1); short protein forms C1582*.
Identifiers: ClinVar variation 4702745 (VCV004702745.1).